The following is an entry in ClinVar:

NM_001378454.1(ALMS1):c.840T>A (p.Ala280=)

Gene: ALMS1 (ALMS1 centrosome and basal body associated protein; plus strand). Cytogenetic location: 2p13.1.
Variant type: single nucleotide variant.
Coding change: c.840T>A on transcript NM_001378454.1 (MANE Select); coding-DNA position 840, T replaced by A.
Protein change: p.Ala280=; no amino-acid change (alanine 280 retained).
Molecular consequence: synonymous variant.
Genome position (GRCh38, 1-based): chr2:73,424,505, T>A. VCF-style: chr2-73424505-T-A. GRCh37 (hg19) VCF-style: chr2-73651633-T-A.
Other names: c.843T>A, p.Ala281= (NM_015120.4).
Identifiers: ClinVar variation 4991114 (VCV004991114.1).
Genomic context (GRCh38, chr2:73,424,505, plus strand): 5'-GTCTGAAGATACTGAATGGTCTTCTCGACCATCGGAAGTTAGTGAAGCTTTATTCCAGGC[T>A]ACTGCAGAAGTAGCTTCAGACTTAGCAAGCAGTCGCTTTAGTGTATCTCAGCACCCGCTT-3'
Protein context (NP_001365383.1, residues 270-290): PSEVSEALFQ[Ala280=]TAEVASDLAS

ClinVar aggregate classification (germline): Likely benign (1 of 4 stars; one submission).

Conditions:
ALMS1-related disorder. Also called: ALMS1-related condition.

Submission:

PreventionGenetics, part of Exact Sciences
Classification: Likely benign for ALMS1-related condition. Last evaluated: 2025-11-05. Review status: criteria provided, single submitter. Criteria: ACMG Guidelines, 2015. Collection method: clinical testing. Allele origin: germline.
Comment: This variant is classified as likely benign based on ACMG/AMP sequence variant interpretation guidelines (Richards et al. 2015 PMID: 25741868, with internal and published modifications).